The following is an entry in ClinVar:

ClinVar aggregate classification (germline): Uncertain significance (1 of 4 stars; one submission).

Submission:

Ambry Genetics
Classification: Uncertain significance. Last evaluated: 2023-07-12. Review status: criteria provided, single submitter. Criteria: Ambry Variant Classification Scheme 2023. Collection method: clinical testing. Allele origin: germline.
Comment: The p.Q564R variant (also known as c.1691A>G), located in coding exon 12 of the RINT1 gene, results from an A to G substitution at nucleotide position 1691. The glutamine at codon 564 is replaced by arginine, an amino acid with highly similar properties. This amino acid position is conserved. In addition, this alteration is predicted to be tolerated by in silico analysis. Since supporting evidence is limited at this time, the clinical significance of this alteration remains unclear.

NM_021930.6(RINT1):c.1691A>G (p.Gln564Arg)

Gene: RINT1 (RAD50 interactor 1; plus strand). Cytogenetic location: 7q22.3.
Variant type: single nucleotide variant.
Coding change: c.1691A>G on transcript NM_021930.6 (MANE Select); coding-DNA position 1691, A replaced by G.
Protein change: p.Gln564Arg; replaces glutamine 564 with arginine.
Molecular consequence: missense variant. On other transcripts: non-coding transcript variant (1).
Genome position (GRCh38, 1-based): chr7:105,563,752, A>G. VCF-style: chr7-105563752-A-G. GRCh37 (hg19) VCF-style: chr7-105204199-A-G.
Other names: c.1457A>G, p.Gln486Arg (NM_001346599.2); c.668A>G, p.Gln223Arg (NM_001346600.2, NM_001346603.2); c.767A>G, p.Gln256Arg (NM_001346601.2); short protein forms Q486R, Q564R, Q223R, Q256R.
Identifiers: ClinVar variation 2625523 (VCV002625523.2), dbSNP rs2485174932, ClinGen allele CA368813503.